The following is an entry in ClinVar:

ClinVar aggregate classification (germline): Benign/Likely benign. Review status: criteria provided, multiple submitters, no conflicts (2 of 4 stars). 7 submissions from 7 submitters: Benign (4); Likely benign (2). 1 of the submissions does not count toward it. Last evaluated 2026-09-01.

Conditions:
CACNA1A-related disorder. Also called: CACNA1A-related condition.
Developmental and epileptic encephalopathy, 42 (DEE42A). Also called: DEVELOPMENTAL AND EPILEPTIC ENCEPHALOPATHY 42A; EPILEPTIC ENCEPHALOPATHY, EARLY INFANTILE, 42A; Epileptic encephalopathy, early infantile, 42. Identifiers: MedGen C4310716, MONDO:0014917, OMIM 617106.

Submissions (7):

CeGaT Center for Human Genetics Tuebingen
Classification: Benign. Last evaluated: 2026-09-01. Review status: criteria provided, single submitter. Criteria: CeGaT Center For Human Genetics Tuebingen Variant Classification Criteria Version 2. Collection method: clinical testing. Allele origin: germline. Affected: yes. Observed: 99 variant alleles.
Comment: CACNA1A: BS1, BS2

Laboratory of Genetics, Children's Clinical University Hospital Latvia
Classification: Likely benign. Last evaluated: 2025-02-16. Review status: criteria provided, single submitter. Criteria: ACMG Guidelines, 2015. Collection method: clinical testing. Allele origin: germline. Affected: yes.

ARUP Laboratories, Molecular Genetics and Genomics, ARUP Laboratories
Classification: Benign. Last evaluated: 2025-01-17. Review status: criteria provided, single submitter. Criteria: ARUP Molecular Germline Variant Investigation Process 2024. Collection method: clinical testing. Allele origin: germline.

Blueprint Genetics
Classification: Benign. Last evaluated: 2024-11-28. Review status: criteria provided, single submitter. Criteria: ACMG Guidelines, 2015. Collection method: clinical testing. Allele origin: germline.

GeneDx
Classification: Benign. Last evaluated: 2021-06-02. Review status: criteria provided, single submitter. Criteria: GeneDx Variant Classification Process June 2021. Collection method: clinical testing. Allele origin: germline. Affected: yes.

Institute of Human Genetics, University of Leipzig Medical Center
Classification: Likely benign for Developmental and epileptic encephalopathy, 42. Last evaluated: 2019-01-01. Review status: criteria provided, single submitter. Criteria: ACMG Guidelines, 2015. Collection method: clinical testing. Allele origin: unknown. Affected: yes.

PreventionGenetics, part of Exact Sciences
Classification: Benign for CACNA1A-related condition. Last evaluated: 2019-09-10. Review status: no assertion criteria provided. Collection method: clinical testing. Allele origin: germline. Not counted in ClinVar's aggregate classification.
Comment: This variant is classified as benign based on ACMG/AMP sequence variant interpretation guidelines (Richards et al. 2015 PMID: 25741868, with internal and published modifications).

NM_001127222.2(CACNA1A):c.6937CAG[4] (p.Gln2317_Gln2325del)

Genes: CACNA1A (calcium voltage-gated channel subunit alpha1 A; minus strand), LOC108663985 (calcium voltage-gated channel subunit alpha1 A repeat instability region; plus strand). Cytogenetic location: 19p13.13.
Variant type: Microsatellite.
Coding change: c.6937CAG[4] on transcript NM_001127222.2 (MANE Select); four copies in a row of the 3-base unit CAG starting at c.6937; the reference has 13 copies in a row; nine copies, 27 bases deleted.
Protein change: p.Gln2317_Gln2325del.
Molecular consequence: inframe deletion. On other transcripts: 3 prime UTR variant (3).
Genome position (GRCh38, 1-based): chr19:13,207,859-13,207,885, CTGCTGCTGCTGCTGCTGCTGCTGCTG deleted on the plus strand (CAGCAGCAGCAGCAGCAGCAGCAGCAG on the coding strand, the reverse complement: CACNA1A is on the minus strand); deleting any 27 consecutive bases within chr19:13,207,859-13,207,898 gives the same sequence; the position shown is the placement nearest the transcript's 3' end. VCF-style (leftmost placement, unchanged base first): chr19-13207858-CCTGCTGCTGCTGCTGCTGCTGCTGCTG-C. GRCh37 (hg19) VCF-style: chr19-13318672-CCTGCTGCTGCTGCTGCTGCTGCTGCTG-C.
Other names: c.6949_6975del27 (NM_001127222.1); c.*149CAG[4] (NM_000068.4, NM_001127221.2, NM_001174080.2); c.6955CAG[4], p.Gln2323_Gln2331del (NM_023035.3).
Identifiers: ClinVar variation 982691 (VCV000982691.39), dbSNP rs16054, ClinGen allele CA505658938.
Genomic context (GRCh38, chr19:13,207,858, plus strand): 5'-CCGTGGGGCCTGGGTACCTCCGAGGGCCGCTGGTGGCCGCCCGGCCCGGCCTGGCCACCG[CCTGCTGCTGCTGCTGCTGCTGCTGCTG>C]CTGCTGCTGCTGCGGGGGCCCCGAGCCGCCGGCCTTACGGATCACAGGGGAATAGGACAC-3'